The following is an entry in ClinVar:

ClinVar aggregate classification (germline): Uncertain significance (1 of 4 stars; one submission).

Submission:

Women's Health and Genetics/Laboratory Corporation of America, LabCorp
Classification: Uncertain significance. Last evaluated: 2026-04-15. Review status: criteria provided, single submitter. Criteria: LabCorp Variant Classification Summary - May 2015. Collection method: clinical testing. Allele origin: germline.
Comment: Variant summary: DNAJC5 c.186C>A (p.Asn62Lys) results in a non-conservative amino acid change in the encoded protein sequence. Algorithms developed to predict the effect of missense changes on protein structure and function are either unavailable or do not agree on the potential impact of this missense change. The variant was absent in 251336 control chromosomes. The available data on variant occurrences in the general population are insufficient to allow any conclusion about variant significance. To our knowledge, no occurrence of c.186C>A in individuals affected with DNAJC5-related conditions and no experimental evidence demonstrating its impact on protein function have been reported. No submitters have cited clinical-significance assessments for this variant to ClinVar. Based on the evidence outlined above, the variant was classified as uncertain significance.

NM_025219.3(DNAJC5):c.186C>A (p.Asn62Lys)

Gene: DNAJC5 (DnaJ heat shock protein family (Hsp40) member C5; plus strand). Cytogenetic location: 20q13.33.
Variant type: single nucleotide variant.
Coding change: c.186C>A on transcript NM_025219.3 (MANE Select); coding-DNA position 186, C replaced by A.
Protein change: p.Asn62Lys; replaces asparagine 62 with lysine.
Molecular consequence: missense variant.
Genome position (GRCh38, 1-based): chr20:63,929,390, C>A. VCF-style: chr20-63929390-C-A. GRCh37 (hg19) VCF-style: chr20-62560743-C-A.
Other names: short protein forms N62K.
Identifiers: ClinVar variation 4848550 (VCV004848550.1).
Genomic context (GRCh38, chr20:63,929,390, plus strand): 5'-TCACCCCGACAAGAACCCCGACAACCCGGAGGCCGCGGACAAGTTTAAGGAGATCAACAA[C>A]GCGCACGCCATCCTCACGGACGCCACAAAAAGGAACATCTACGACAAGTACGGCTCGCTG-3'
Protein context (NP_079495.1, residues 52-72): EAADKFKEIN[Asn62Lys]AHAILTDATK